The following is an entry in ClinVar:

NM_005027.4(PIK3R2):c.2081_2107dup (p.Val702_Gln703insLeuHisTyrGlnHisAlaSerLeuVal)

Gene: PIK3R2 (phosphoinositide-3-kinase regulatory subunit 2; plus strand). Cytogenetic location: 19p13.11.
Variant type: Duplication.
Coding change: c.2081_2107dup on transcript NM_005027.4 (MANE Select); coding-DNA positions 2081 to 2107, 27 bases duplicated (TGCACTACCAGCACGCCTCGCTGGTGC).
Protein change: p.Val702_Gln703insLeuHisTyrGlnHisAlaSerLeuVal.
Molecular consequence: inframe insertion. On other transcripts: non-coding transcript variant (2).
Genome position (GRCh38, 1-based): chr19:18,169,188-18,169,214, TGCACTACCAGCACGCCTCGCTGGTGC duplicated; duplicating any 27 consecutive bases within chr19:18,169,180-18,169,214 gives the same sequence; the c. name uses the placement nearest the transcript's 3' end. VCF-style (leftmost placement, unchanged base first): chr19-18169179-A-AGCTGGTGCTGCACTACCAGCACGCCTC. GRCh37 (hg19) VCF-style: chr19-18279989-A-AGCTGGTGCTGCACTACCAGCACGCCTC.
Identifiers: ClinVar variation 4822604 (VCV004822604.4).

ClinVar aggregate classification (germline): Uncertain significance (1 of 4 stars; one submission).

Submission:

CeGaT Center for Human Genetics Tuebingen
Classification: Uncertain significance. Last evaluated: 2026-03-01. Review status: criteria provided, single submitter. Criteria: CeGaT Center For Human Genetics Tuebingen Variant Classification Criteria Version 2. Collection method: clinical testing. Allele origin: germline. Affected: yes. Observed: 1 variant allele.
Comment: PIK3R2: PM2:Supporting